The following is an entry in ClinVar:

ClinVar aggregate classification (germline): Uncertain significance. Review status: criteria provided, multiple submitters, no conflicts (2 of 4 stars). 2 submissions from 2 submitters: Uncertain significance (2). Last evaluated 2026-05-14.

Conditions:
Inborn genetic diseases. Identifiers: MedGen C0950123, MeSH D030342.

Submissions (2):

Ambry Genetics
Classification: Uncertain significance for Inborn genetic diseases. Last evaluated: 2026-05-14. Review status: criteria provided, single submitter. Criteria: Ambry Variant Classification Scheme 2023. Collection method: clinical testing. Allele origin: germline.
Comment: The p.K681Q variant (also known as c.2041A>C), located in coding exon 1 of the SAMD9L gene, results from an A to C substitution at nucleotide position 2041. The lysine at codon 681 is replaced by glutamine, an amino acid with similar properties. This amino acid position is conserved. In addition, this alteration is predicted to be tolerated by in silico analysis. Based on the available evidence, the clinical significance of this variant remains unclear.

GeneDx
Classification: Uncertain significance. Last evaluated: 2026-02-25. Review status: criteria provided, single submitter. Criteria: GeneDx Variant Classification Process June 2021. Collection method: clinical testing. Allele origin: germline.
Comment: Not observed at significant frequency in large population cohorts (gnomAD); In silico analysis suggests that this missense variant does not alter protein structure/function; Has not been previously published as pathogenic or benign to our knowledge

NM_152703.5(SAMD9L):c.2041A>C (p.Lys681Gln)

Gene: SAMD9L (sterile alpha motif domain containing 9 like; minus strand). Cytogenetic location: 7q21.2.
Variant type: single nucleotide variant.
Coding change: c.2041A>C on transcript NM_152703.5 (MANE Select); coding-DNA position 2041, A replaced by C.
Protein change: p.Lys681Gln; replaces lysine 681 with glutamine.
Molecular consequence: missense variant.
Genome position (GRCh38, 1-based): chr7:93,133,931, T>G on the plus strand (A>C on the coding strand, the complement: SAMD9L is on the minus strand). VCF-style: chr7-93133931-T-G. GRCh37 (hg19) VCF-style: chr7-92763244-T-G.
Other names: c.2041A>C, p.Lys681Gln (NM_001303496.3, NM_001303497.3, NM_001303498.3 and 5 more transcripts); c.2041A>C (NM_152703.2); short protein forms K681Q.
Identifiers: ClinVar variation 3900116 (VCV003900116.3).
Genomic context (GRCh38, chr7:93,133,931, plus strand): 5'-AAAAATAGAAGTTCCACCAGGATACTTTGCCACCTCGATAAAAGTGTTCTTCTTTTGATT[T>G]CTTAAACTCCAGGAATTTAGATTTGTCTTTCTCGATGTCTGTCTCTGTACACTCATTTTC-3'
Protein context (NP_689916.2, residues 671-691): KDKSKFLEFK[Lys681Gln]SKEEHFYRGG